The following is an entry in ClinVar:

ClinVar aggregate classification (germline): Uncertain significance. Review status: criteria provided, multiple submitters, no conflicts (2 of 4 stars). 2 submissions from 2 submitters: Uncertain significance (2). Last evaluated 2020-07-02.

Conditions:
Hereditary cancer-predisposing syndrome. Also called: Hereditary neoplastic syndrome; Neoplastic Syndromes, Hereditary; Tumor predisposition; Hereditary Cancer Syndrome. Identifiers: Orphanet 140162, MedGen C0027672, MeSH D009386, MONDO:0015356.
Microcephaly, normal intelligence and immunodeficiency (NBS). Also called: Nijmegen breakage syndrome; Microcephaly with normal intelligence immunodeficiency and lymphoreticular malignancies; Nonsyndromal microcephaly autosomal recessive with normal intelligence; Seemanova syndrome 2; Ataxia telangiectasia variant V1; SEEMANOVA SYNDROME II. Identifiers: Orphanet 647, MedGen C0398791, MONDO:0009623, OMIM 251260.

Allele frequency attached by ClinVar (database versions not stated): gnomAD exomes below 0.00001.
gnomAD v4.1: 1 of 1,592,246 alleles (0.000063%); highest among the groups gnomAD compares: Admixed American, 0.0017%; no homozygotes.

Submissions (2):

Ambry Genetics
Classification: Uncertain significance for Hereditary cancer-predisposing syndrome. Last evaluated: 2020-07-02. Review status: criteria provided, single submitter. Criteria: Ambry Variant Classification Scheme 2023. Collection method: clinical testing. Allele origin: germline.
Comment: The p.L662R variant (also known as c.1985T>G), located in coding exon 13 of the NBN gene, results from a T to G substitution at nucleotide position 1985. The leucine at codon 662 is replaced by arginine, an amino acid with dissimilar properties. This amino acid position is highly conserved in available vertebrate species. In addition, this alteration is predicted to be deleterious by in silico analysis. Since supporting evidence is limited at this time, the clinical significance of this alteration remains unclear.

Labcorp Genetics (formerly Invitae), Labcorp
Classification: Uncertain significance for Microcephaly, normal intelligence and immunodeficiency. Last evaluated: 2020-03-10. Review status: criteria provided, single submitter. Criteria: Invitae Variant Classification Sherloc (09022015). Collection method: clinical testing. Allele origin: germline.
Comment: This sequence change replaces leucine with arginine at codon 662 of the NBN protein (p.Leu662Arg). The leucine residue is moderately conserved and there is a moderate physicochemical difference between leucine and arginine. This variant is not present in population databases (ExAC no frequency). This variant has not been reported in the literature in individuals with NBN-related conditions. Algorithms developed to predict the effect of missense changes on protein structure and function are either unavailable or do not agree on the potential impact of this missense change (SIFT: "Tolerated"; PolyPhen-2: "Probably Damaging"; Align-GVGD: "Class C0"). In summary, the available evidence is currently insufficient to determine the role of this variant in disease. Therefore, it has been classified as a Variant of Uncertain Significance.

NM_002485.5(NBN):c.1985T>G (p.Leu662Arg)

Gene: NBN (nibrin; minus strand). Cytogenetic location: 8q21.3.
Variant type: single nucleotide variant.
Coding change: c.1985T>G on transcript NM_002485.5 (MANE Select); coding-DNA position 1985, T replaced by G.
Protein change: p.Leu662Arg; replaces leucine 662 with arginine.
Molecular consequence: missense variant.
Genome position (GRCh38, 1-based): chr8:89,946,225, A>C on the plus strand (T>G on the coding strand, the complement: NBN is on the minus strand). VCF-style: chr8-89946225-A-C. GRCh37 (hg19) VCF-style: chr8-90958453-A-C.
Other names: c.1739T>G, p.Leu580Arg (NM_001024688.3); short protein forms L662R, L580R.
Identifiers: ClinVar variation 1039467 (VCV001039467.11), dbSNP rs1810183362, ClinGen allele CA371676497.